The following is an entry in ClinVar:

NM_000152.5(GAA):c.2846T>A (p.Val949Asp)

Gene: GAA (alpha glucosidase; plus strand). Cytogenetic location: 17q25.3.
Variant type: single nucleotide variant.
Coding change: c.2846T>A on transcript NM_000152.5 (MANE Select); coding-DNA position 2846, T replaced by A.
Protein change: p.Val949Asp; replaces valine 949 with aspartic acid.
Molecular consequence: missense variant.
Genome position (GRCh38, 1-based): chr17:80,119,318, T>A. VCF-style: chr17-80119318-T-A. GRCh37 (hg19) VCF-style: chr17-78093117-T-A.
Other names: c.2846T>A, p.Val949Asp (NM_001079803.3, NM_001079804.3); short protein forms V949D.
Identifiers: ClinVar variation 972759 (VCV000972759.10), dbSNP rs1245412108, ClinGen allele CA401327972.
Genomic context (GRCh38, chr17:80,119,318, plus strand): 5'-TCTCTCTTTTCCAGGTCCTGGACATCTGTGTCTCGCTGTTGATGGGAGAGCAGTTTCTCG[T>A]CAGCTGGTGTTAGCCGGGCGGAGTGTGTTAGTCTCTCCAGAGGGAGGCTGGTTCCCCAGG-3'
Protein context (NP_000143.2, residues 939-952): VSLLMGEQFL[Val949Asp]SWC

ClinVar aggregate classification (germline): Conflicting classifications of pathogenicity. Review status: criteria provided, conflicting classifications (1 of 4 stars). 5 submissions from 5 submitters: Likely pathogenic (3); Uncertain significance (2). Last evaluated 2026-07-01.

Conditions:
Glycogen storage disease, type II (IOPD). Also called: Glucosidase acid-1,4-alpha deficiency; Pompe Disease; CARDIOMEGALIA GLYCOGENICA DIFFUSA; GLYCOGENOSIS, GENERALIZED, CARDIAC FORM; GSD II; POMPE DISEASE, INFANTILE-ONSET. Identifiers: Orphanet 365, MedGen C0017921, MONDO:0009290, OMIM 232300.

Allele frequency attached by ClinVar (database versions not stated): gnomAD exomes below 0.00001; TOPMed below 0.00001; gnomAD 0.00001.
gnomAD v4.1: 2 of 1,613,836 alleles (0.00012%); highest among the groups gnomAD compares: African/African-American, 0.0027%; no homozygotes.

Submissions (5):

Genomenon, Inc
Classification: Uncertain significance for Glycogen storage disease, type II. Last evaluated: 2026-07-01. Review status: criteria provided, single submitter. Criteria: Genomenon Sequence Variant Interpretation Standards - Updated. Collection method: curation. Allele origin: germline. Affected: yes.
Comment: GAA p.Val949Asp (c.2846T>A) is a missense variant that changes the amino acid at codon 949 from Valine to Aspartic acid. This variant has been observed in at least one proband with a GAA-related disorder in the compound heterozygous and/or homozygous state (PMID:31342611;9529346). At least one functional study has demonstrated a substantial alteration in protein function relative to the wild-type (PMID:19862843). It is absent or not present at a significant frequency in gnomAD. In conclusion, we classify GAA p.Val949Asp (c.2846T>A) as a variant of uncertain significance.

Women's Health and Genetics/Laboratory Corporation of America, LabCorp
Classification: Likely pathogenic for Glycogen storage disease, type II. Last evaluated: 2025-02-12. Review status: criteria provided, single submitter. Criteria: LabCorp Variant Classification Summary - May 2015. Collection method: clinical testing. Allele origin: germline.
Comment: Variant summary: GAA c.2846T>A (p.Val949Asp) results in a non-conservative amino acid change in the encoded protein sequence. Four of five in-silico tools predict a damaging effect of the variant on protein function. The variant allele was found at a frequency of 4e-06 in 251218 control chromosomes (gnomAD). c.2846T>A has been reported in the literature in an individual affected with Glycogen Storage Disease, Type 2 (Pompe Disease), one who was compound heterozygous with a pathogenic variant (Becker_1998) and one in the homozygous state (Ditters_2022). These data indicate that the variant may be associated with disease. Publications report experimental evidence evaluating an impact on protein function, and find a loss of enzymatic activity and protein expression (Becker_1998, Flanagan_2009). The following publications have been ascertained in the context of this evaluation (PMID: 9529346, 19862843, 34822769). ClinVar contains an entry for this variant (Variation ID: 972759). Based on the evidence outlined above, the variant was classified as likely pathogenic.

Revvity Omics, Revvity
Classification: Likely pathogenic. Last evaluated: 2024-09-03. Review status: criteria provided, single submitter. Criteria: ACMG Guidelines, 2015. Collection method: clinical testing. Allele origin: germline.

Labcorp Genetics (formerly Invitae), Labcorp
Classification: Uncertain significance for Glycogen storage disease, type II. Last evaluated: 2022-02-28. Review status: criteria provided, single submitter. Criteria: Invitae Variant Classification Sherloc (09022015). Collection method: clinical testing. Allele origin: germline.
Comment: This sequence change replaces valine, which is neutral and non-polar, with aspartic acid, which is acidic and polar, at codon 949 of the GAA protein (p.Val949Asp). This variant is present in population databases (no rsID available, gnomAD 0.007%). This missense change has been observed in individual(s) with Pompe disease (PMID: 9529346). In at least one individual the data is consistent with being in trans (on the opposite chromosome) from a pathogenic variant. ClinVar contains an entry for this variant (Variation ID: 972759). Algorithms developed to predict the effect of missense changes on protein structure and function are either unavailable or do not agree on the potential impact of this missense change (SIFT: "Deleterious"; PolyPhen-2: "Benign"; Align-GVGD: "Class C0"). Experimental studies have shown that this missense change affects GAA function (PMID: 9529346, 19862843). In summary, the available evidence is currently insufficient to determine the role of this variant in disease. Therefore, it has been classified as a Variant of Uncertain Significance.

Broad Center for Mendelian Genomics, Broad Institute of MIT and Harvard
Classification: Likely pathogenic for Glycogen storage disease, type II. Last evaluated: 2020-01-14. Review status: criteria provided, single submitter. Criteria: ACMG Guidelines, 2015. Collection method: curation. Allele origin: germline. Inheritance: Autosomal recessive inheritance.
Comment: Although this variant has been seen in the general population, its frequency is low enough to be consistent with a recessive carrier frequency. In vitro functional studies using COS cells transfected with the variant provide some evidence that the p.Val949Asp variant may impact protein function, leading to enzyme degradation (PMID: 9529346). However, these types of assays may not accurately represent biological function. The Val at position 949 is not conserved in mammals or evolutionary distant species, raising the possibility that a change at this position may be tolerated. Additional computational prediction tools do not provide strong support for or against an impact to the protein. This variant was reported in combination with reported pathogenic variant p.Arg854Ter and in an individual with glycogen storage disease II (VariationID: 4034, PMID: 9529346). In summary, although additional studies are required to fully establish its clinical significance, this variant is likely pathogenic. ACMG/AMP Criteria applied: PS3, PM2 (Richards 2015).

Literature cited by the submitters: PubMed 31342611 (cited by Genomenon, Inc); PubMed 9529346 (cited by 4 submitters); PubMed 19862843 (cited by 3 submitters); PubMed 34822769 (cited by Women's Health and Genetics/Laboratory Corporation of America, LabCorp).